The following is an entry in ClinVar:

NM_000245.4(MET):c.639G>A (p.Ser213=)

Gene: MET (MET proto-oncogene, receptor tyrosine kinase; plus strand). Cytogenetic location: 7q31.2.
Variant type: single nucleotide variant.
Coding change: c.639G>A on transcript NM_000245.4 (MANE Select); coding-DNA position 639, G replaced by A.
Protein change: p.Ser213=; no amino-acid change (serine 213 retained).
Molecular consequence: synonymous variant. On other transcripts: intron variant (1).
Genome position (GRCh38, 1-based): chr7:116,699,723, G>A. VCF-style: chr7-116699723-G-A. GRCh37 (hg19) VCF-style: chr7-116339777-G-A.
Other names: c.639G>A (NM_001127500.2); c.639G>A, p.Ser213= (NM_001127500.3, NM_001324401.3); c.-91+27146G>A (NM_001324402.2).
Identifiers: ClinVar variation 135973 (VCV000135973.21), dbSNP rs587780738, ClinGen allele CA332686.

ClinVar aggregate classification (germline): Benign/Likely benign. Review status: criteria provided, multiple submitters, no conflicts (2 of 4 stars). 5 submissions from 5 submitters: Benign (1); Likely benign (4). Last evaluated 2025-12-03.

Conditions:
MET-related disorder. Also called: MET-related condition.
Renal cell carcinoma. Identifiers: Orphanet 217071, MedGen C0007134, MeSH D002292, MONDO:0005086, HP:0005584.
Hereditary cancer-predisposing syndrome. Also called: Neoplastic Syndromes, Hereditary; Tumor predisposition; Hereditary Cancer Syndrome; Hereditary neoplastic syndrome. Identifiers: Orphanet 140162, MedGen C0027672, MeSH D009386, MONDO:0015356.
Papillary renal cell carcinoma type 1 (RCCP1). Also called: RENAL CELL CARCINOMA, PAPILLARY, 1, SOMATIC; Renal adenocarcinoma; Renal cell carcinoma 1; Renal cell carcinoma, somatic. Identifiers: Orphanet 47044, MedGen C1336839, OMIM 605074, HP:0011797.

Allele frequency attached by ClinVar (database versions not stated): ExAC 0.00002; TOPMed 0.00002; gnomAD 0.00003.
gnomAD v4.1: 85 of 1,613,914 alleles (0.0053%); highest among the groups gnomAD compares: Non-Finnish European, 0.0068%; no homozygotes.

Submissions (5):

Labcorp Genetics (formerly Invitae), Labcorp
Classification: Likely benign for Renal cell carcinoma. Last evaluated: 2025-12-03. Review status: criteria provided, single submitter. Criteria: Invitae Variant Classification Sherloc (09022015). Collection method: clinical testing. Allele origin: germline.

PreventionGenetics, part of Exact Sciences
Classification: Likely benign for MET-related condition. Last evaluated: 2024-11-27. Review status: criteria provided, single submitter. Criteria: ACMG Guidelines, 2015. Collection method: clinical testing. Allele origin: germline.
Comment: This variant is classified as likely benign based on ACMG/AMP sequence variant interpretation guidelines (Richards et al. 2015 PMID: 25741868, with internal and published modifications).

Myriad Genetics, Inc.
Classification: Benign for Papillary renal cell carcinoma type 1. Last evaluated: 2024-11-06. Review status: criteria provided, single submitter. Criteria: Myriad Autosomal Dominant, Autosomal Recessive and X-Linked Classification Criteria (2023). Collection method: clinical testing. Allele origin: unknown.
Comment: This variant is considered benign. This variant is a silent/synonymous amino acid change and it is not expected to impact splicing.

Ambry Genetics
Classification: Likely benign for Hereditary cancer-predisposing syndrome. Last evaluated: 2018-04-30. Review status: criteria provided, single submitter. Criteria: Ambry Variant Classification Scheme 2023. Collection method: clinical testing. Allele origin: germline.

Illumina Laboratory Services, Illumina
Classification: Likely benign for Papillary renal cell carcinoma type 1. Last evaluated: 2018-01-13. Review status: criteria provided, single submitter. Criteria: ICSL Variant Classification Criteria 13 December 2019. Collection method: clinical testing. Allele origin: germline.
Comment: This variant was observed in the ICSL laboratory as part of a predisposition screen in an ostensibly healthy population. It had not been previously curated by ICSL or reported in the Human Gene Mutation Database (HGMD: prior to June 1st, 2018), and was therefore a candidate for classification through an automated scoring system. Utilizing variant allele frequency, disease prevalence and penetrance estimates, and inheritance mode, an automated score was calculated to assess if this variant is too frequent to cause the disease. Based on the score and internal cut-off values, a variant classified as likely benign is not then subjected to further curation. The score for this variant resulted in a classification of likely benign for this disease.